The following is an entry in ClinVar:

ClinVar aggregate classification (germline): Uncertain significance (1 of 4 stars; one submission).

Submission:

Dasa
Classification: Uncertain significance. Last evaluated: 2026-02-21. Review status: criteria provided, single submitter. Criteria: DASA Assertion Criteria. Collection method: clinical testing. Allele origin: germline.
Comment: NM_000203.5(IDUA):c.1135G>C (p.Val379Leu) is a missense variant that results in the substitution of valine with leucine. This variant is rare in population databases. Computational prediction algorithms are consistent with a deleterious effect. The currently available literature and clinical evidence are not sufficient to establish a definitive association between this variant and the reported condition. Therefore, this variant is classified as a variant of uncertain significance.

NM_000203.5(IDUA):c.1135G>C (p.Val379Leu)

Gene: IDUA (alpha-L-iduronidase; plus strand). Cytogenetic location: 4p16.3.
Variant type: single nucleotide variant.
Coding change: c.1135G>C on transcript NM_000203.5 (MANE Select); coding-DNA position 1135, G replaced by C.
Protein change: p.Val379Leu; replaces valine 379 with leucine.
Molecular consequence: missense variant. On other transcripts: non-coding transcript variant (1).
Genome position (GRCh38, 1-based): chr4:1,002,431, G>C. VCF-style: chr4-1002431-G-C. GRCh37 (hg19) VCF-style: chr4-996219-G-C.
Other names: c.739G>C, p.Val247Leu (NM_001363576.1); short protein forms V247L, V379L.
Identifiers: ClinVar variation 5020702 (VCV005020702.1).